The following is an entry in ClinVar:

NM_001204.7(BMPR2):c.1510C>T (p.Leu504Phe)

Gene: BMPR2 (bone morphogenetic protein receptor type 2; plus strand). Cytogenetic location: 2q33.2.
Variant type: single nucleotide variant.
Coding change: c.1510C>T on transcript NM_001204.7 (MANE Select); coding-DNA position 1510, C replaced by T.
Protein change: p.Leu504Phe; replaces leucine 504 with phenylalanine.
Molecular consequence: missense variant.
Genome position (GRCh38, 1-based): chr2:202,552,812, C>T. VCF-style: chr2-202552812-C-T. GRCh37 (hg19) VCF-style: chr2-203417535-C-T.
Other names: short protein forms L504F.
Identifiers: ClinVar variation 4867613 (VCV004867613.1).

ClinVar aggregate classification (germline): Uncertain significance (1 of 4 stars; one submission).

Conditions:
Inborn genetic diseases. Identifiers: MedGen C0950123, MeSH D030342.

Submission:

Ambry Genetics
Classification: Uncertain significance for Inborn genetic diseases. Last evaluated: 2026-04-25. Review status: criteria provided, single submitter. Criteria: Ambry Variant Classification Scheme 2023. Collection method: clinical testing. Allele origin: germline.
Comment: The p.L504F variant (also known as c.1510C>T), located in coding exon 11 of the BMPR2 gene, results from a C to T substitution at nucleotide position 1510. The leucine at codon 504 is replaced by phenylalanine, an amino acid with highly similar properties. This amino acid position is conserved. In addition, this alteration is predicted to be deleterious by in silico analysis. Based on the available evidence, the clinical significance of this variant remains unclear.